The following continues an entry in ClinVar:

NM_000059.4(BRCA2):c.6215C>G (p.Ser2072Cys)

Gene: BRCA2. ClinVar aggregate classification (germline): Conflicting classifications of pathogenicity. Uncertain significance (7); Likely benign (5).

Submissions 10 to 17 of 17:

St. Jude Molecular Pathology, St. Jude Children's Research Hospital
Classification: Uncertain significance for Hereditary breast ovarian cancer syndrome. Last evaluated: 2021-06-03. Review status: criteria provided, single submitter. Criteria: St. Jude Assertion Criteria 2020. Collection method: clinical testing. Allele origin: germline.
Comment: The BRCA2 c.6215C>G (p.Ser2072Cys) missense change has a maximum subpopulation frequency of 0.0054% in gnomAD v2.1.1 (PM2_Supporting). Five of seven in silico tools predict a deleterious effect of this variant on protein function (PP3), but to our knowledge these predictions have not been confirmed by functional assays. This variant is absent in the FLOSSIES database which contains genetic variants from women older than 70 years of age who have never had cancer. This variant has been reported in at least three individuals with a personal or family history of breast and/or ovarian cancer (PMID: 12373604, 21120943, 25136594). In summary, this variant meets criteria to be classified as of uncertain significance based on the ACMG/AMP criteria: PP3

GeneDx
Classification: Likely benign. Last evaluated: 2019-12-11. Review status: criteria provided, single submitter. Criteria: GeneDx Variant Classification Process June 2021. Collection method: clinical testing. Allele origin: germline. Affected: yes.
Comment: This variant is associated with the following publications: (PMID: 12373604, 24728327, 21120943, 25136594, 31131967, 29625052)

CHEO Genetics Diagnostic Laboratory, Children's Hospital of Eastern Ontario
Classification: Uncertain significance for Breast and/or ovarian cancer. Last evaluated: 2016-06-14. Review status: criteria provided, single submitter. Criteria: ACMG Guidelines, 2015. Collection method: clinical testing. Allele origin: germline. Study: Canadian Open Genetics Repository.

BRCAlab, Lund University
Classification: Uncertain significance for Breast-ovarian cancer, familial, susceptibility to, 2. Last evaluated: 2020-03-02. Review status: no assertion criteria provided. Collection method: clinical testing. Allele origin: germline. Affected: yes. Not counted in ClinVar's aggregate classification.

Counsyl
Classification: Uncertain significance for Breast-ovarian cancer, familial, susceptibility to, 2. Last evaluated: 2017-07-12. Review status: no assertion criteria provided. Collection method: clinical testing. Allele origin: unknown. Not counted in ClinVar's aggregate classification.

ITMI
No classification provided. Condition: AllHighlyPenetrant. Last evaluated: 2013-09-19. Review status: no classification provided. Collection method: reference population. Allele origin: germline. Not counted in ClinVar's aggregate classification.
Comment: Please see associated publication for description of ethnicities

Sharing Clinical Reports Project (SCRP)
Classification: Uncertain significance for Breast-ovarian cancer, familial 2. Last evaluated: 2007-06-14. Review status: no assertion criteria provided. Collection method: clinical testing. Allele origin: germline. Not counted in ClinVar's aggregate classification.

Breast Cancer Information Core (BIC) (BRCA2)
Classification: Uncertain significance for Breast-ovarian cancer, familial 2. Last evaluated: 2002-05-29. Review status: no assertion criteria provided. Collection method: clinical testing. Allele origin: germline. Affected: yes. Observed: 6 variant alleles. Not counted in ClinVar's aggregate classification.

Literature cited by the submitters: PubMed 20858050 (cited by Quest Diagnostics Nichols Institute San Juan Capistrano and Women's Health and Genetics/Laboratory Corporation of America, LabCorp); PubMed 10923033 (cited by Quest Diagnostics Nichols Institute San Juan Capistrano); PubMed 33471991 (cited by Quest Diagnostics Nichols Institute San Juan Capistrano and All of Us Research Program, National Institutes of Health); PubMed 31131967 (cited by Quest Diagnostics Nichols Institute San Juan Capistrano and Ambry Genetics); PubMed 31911673 (cited by Quest Diagnostics Nichols Institute San Juan Capistrano); PubMed 12373604 (cited by 4 submitters); PubMed 25136594 (cited by 4 submitters); PubMed 25348012 (cited by Quest Diagnostics Nichols Institute San Juan Capistrano and Women's Health and Genetics/Laboratory Corporation of America, LabCorp); PubMed 24728327 (cited by 5 submitters); PubMed 21120943 (cited by 4 submitters); PubMed 36451132 (cited by Women's Health and Genetics/Laboratory Corporation of America, LabCorp); PubMed 34552099 (cited by Women's Health and Genetics/Laboratory Corporation of America, LabCorp).